The following is an entry in ClinVar:

NM_194454.3(KRIT1):c.549T>G (p.Leu183=)

Gene: KRIT1 (KRIT1 ankyrin repeat containing; minus strand). Cytogenetic location: 7q21.2.
Variant type: single nucleotide variant.
Coding change: c.549T>G on transcript NM_194454.3 (MANE Select); coding-DNA position 549, T replaced by G.
Protein change: p.Leu183=; no amino-acid change (leucine 183 retained).
Molecular consequence: synonymous variant. On other transcripts: 5 prime UTR variant (1).
Genome position (GRCh38, 1-based): chr7:92,235,583, A>C on the plus strand (T>G on the coding strand, the complement: KRIT1 is on the minus strand). VCF-style: chr7-92235583-A-C. GRCh37 (hg19) VCF-style: chr7-91864897-A-C.
Other names: c.549T>G, p.Leu183= (NM_001013406.2, NM_001350669.1, NM_001350670.1 and 29 more transcripts); c.-35T>G (NM_001350671.1).
Identifiers: ClinVar variation 3034035 (VCV003034035.3), dbSNP rs759916474, ClinGen allele CA4339344.

ClinVar aggregate classification (germline): Likely benign. Review status: criteria provided, single submitter (1 of 4 stars). 2 submissions from 2 submitters: Likely benign (1). 1 of the submissions does not count toward it. Last evaluated 2024-05-19.

Conditions:
KRIT1-related disorder. Also called: KRIT1-related condition; KRIT1-related disorders.
Inborn genetic diseases. Identifiers: MedGen C0950123, MeSH D030342.

Allele frequency attached by ClinVar (database versions not stated): ExAC 0.00007; gnomAD 0.00010; TOPMed 0.00012.
gnomAD v4.1: 321 of 1,613,810 alleles (0.02%); highest among the groups gnomAD compares: Non-Finnish European, 0.026%; 1 homozygote.

Submissions (2):

Ambry Genetics
Classification: Likely benign for Inborn genetic diseases. Last evaluated: 2024-05-19. Review status: criteria provided, single submitter. Criteria: Ambry Variant Classification Scheme 2023. Collection method: clinical testing. Allele origin: germline.

PreventionGenetics, part of Exact Sciences
Classification: Likely benign for KRIT1-related condition. Last evaluated: 2019-06-18. Review status: no assertion criteria provided. Collection method: clinical testing. Allele origin: germline. Not counted in ClinVar's aggregate classification.
Comment: This variant is classified as likely benign based on ACMG/AMP sequence variant interpretation guidelines (Richards et al. 2015 PMID: 25741868, with internal and published modifications).